The following is an entry in ClinVar:

NM_172240.3(POC1B):c.1295T>A (p.Leu432Ter)

Genes: POC1B (POC1 centriolar protein B; minus strand), POC1B-DUSP6 (POC1B-DUSP6 readthrough; minus strand). Cytogenetic location: 12q21.33.
Variant type: single nucleotide variant.
Coding change: c.1295T>A on transcript NM_172240.3 (MANE Select); coding-DNA position 1295, T replaced by A.
Protein change: p.Leu432Ter; replaces leucine 432 with a stop codon.
Molecular consequence: nonsense. On other transcripts: non-coding transcript variant (2).
Genome position (GRCh38, 1-based): chr12:89,425,198, A>T on the plus strand (T>A on the coding strand, the complement: POC1B is on the minus strand). VCF-style: chr12-89425198-A-T. GRCh37 (hg19) VCF-style: chr12-89818975-A-T.
Other names: c.1169T>A, p.Leu390Ter (NM_001199777.2); short protein forms L390*, L432*.
Identifiers: ClinVar variation 1468791 (VCV001468791.8), dbSNP rs2120651305, ClinGen allele CA385985169.

ClinVar aggregate classification (germline): Pathogenic (1 of 4 stars; one submission).

Submission:

Labcorp Genetics (formerly Invitae), Labcorp
Classification: Pathogenic. Last evaluated: 2023-07-14. Review status: criteria provided, single submitter. Criteria: Invitae Variant Classification Sherloc (09022015). Collection method: clinical testing. Allele origin: germline.
Comment: ClinVar contains an entry for this variant (Variation ID: 1468791). This variant disrupts a region of the POC1B protein in which other variant(s) (p.Gln438*) have been determined to be pathogenic (Invitae). This suggests that this is a clinically significant region of the protein, and that variants that disrupt it are likely to be disease-causing. For these reasons, this variant has been classified as Pathogenic. This variant has not been reported in the literature in individuals affected with POC1B-related conditions. This variant is not present in population databases (gnomAD no frequency). This sequence change creates a premature translational stop signal (p.Leu432*) in the POC1B gene. While this is not anticipated to result in nonsense mediated decay, it is expected to disrupt the last 47 amino acid(s) of the POC1B protein.